The following is an entry in ClinVar:

NM_003823.4(TNFRSF6B):c.195_196del (p.Asp65fs)

Genes: RTEL1-TNFRSF6B (RTEL1-TNFRSF6B readthrough (NMD candidate); plus strand), TNFRSF6B (TNF receptor superfamily member 6b; plus strand). Cytogenetic location: 20q13.33.
Variant type: Deletion.
Coding change: c.195_196del on transcript NM_003823.4 (MANE Select); coding-DNA positions 195 to 196, 2 bases deleted (CA; older notation c.195_196delCA).
Protein change: p.Asp65fs; shifts the reading frame from aspartic acid 65.
Molecular consequence: frameshift variant. On other transcripts: non-coding transcript variant (1).
Genome position (GRCh38, 1-based): chr20:63,696,962-63,696,963, CA deleted; deleting any 2 consecutive bases within chr20:63,696,961-63,696,963 gives the same sequence; the c. name uses the placement nearest the transcript's 3' end. VCF-style (leftmost placement, unchanged base first): chr20-63696960-GAC-G. GRCh37 (hg19) VCF-style: chr20-62328313-GAC-G.
Other names: short protein forms D65fs.
Identifiers: ClinVar variation 1405484 (VCV001405484.6), dbSNP rs778976704, ClinGen allele CA9966358.
Genomic context (GRCh38, chr20:63,696,960, plus strand): 5'-GAGCGGCTGGTGTGCGCCCAGTGCCCCCCAGGCACCTTTGTGCAGCGGCCGTGCCGCCGA[GAC>G]AGCCCCACGACGTGTGGCCCGTGTCCACCGCGCCACTACACGCAGTTCTGGAACTACCTA-3'

ClinVar aggregate classification (germline): Uncertain significance (1 of 4 stars; one submission).

Submission:

Labcorp Genetics (formerly Invitae), Labcorp
Classification: Uncertain significance. Last evaluated: 2025-12-20. Review status: criteria provided, single submitter. Criteria: Invitae Variant Classification Sherloc (09022015). Collection method: clinical testing. Allele origin: germline.
Comment: This sequence change creates a premature translational stop signal (p.Asp65Glufs*34) in the TNFRSF6B gene. It is expected to result in an absent or disrupted protein product. However, the current clinical and genetic evidence is not sufficient to establish whether loss-of-function variants in TNFRSF6B cause disease. This variant is present in population databases (rs778976704, gnomAD 0.006%). This variant has not been reported in the literature in individuals affected with TNFRSF6B-related conditions. ClinVar contains an entry for this variant (Variation ID: 1405484). In summary, the available evidence is currently insufficient to determine the role of this variant in disease. Therefore, it has been classified as a Variant of Uncertain Significance.